The following is an entry in ClinVar:

NM_017612.5(ZCCHC8):c.1776A>C (p.Glu592Asp)

Gene: ZCCHC8 (zinc finger CCHC-type containing 8; minus strand). Cytogenetic location: 12q24.31.
Variant type: single nucleotide variant.
Coding change: c.1776A>C on transcript NM_017612.5 (MANE Select); coding-DNA position 1776, A replaced by C.
Protein change: p.Glu592Asp; replaces glutamic acid 592 with aspartic acid.
Molecular consequence: missense variant.
Genome position (GRCh38, 1-based): chr12:122,473,845, T>G on the plus strand (A>C on the coding strand, the complement: ZCCHC8 is on the minus strand). VCF-style: chr12-122473845-T-G. GRCh37 (hg19) VCF-style: chr12-122958392-T-G.
Other names: c.1545A>C, p.Glu515Asp (NM_001350935.2); c.1479A>C, p.Glu493Asp (NM_001350936.2); c.1062A>C, p.Glu354Asp (NM_001350937.2, NM_001350938.2); short protein forms E354D, E515D, E493D, E592D.
Identifiers: ClinVar variation 2802020 (VCV002802020.3), dbSNP rs2547194196, ClinGen allele CA387047712.
Genomic context (GRCh38, chr12:122,473,845, plus strand): 5'-TGCTTTTTCCTTCTGACAAAGTGATGTCACCTCAGAGTCTGGACTGGAGGCATGTCCAGC[T>G]TCTGATTTCTTTGTAAAAATCTCTGGTACCTCAGGCTCATCCAGCGTCTGCTTTTCAGAT-3'
Protein context (NP_060082.2, residues 582-602): EVPEIFTKKS[Glu592Asp]AGHASSPDSE

ClinVar aggregate classification (germline): Uncertain significance (1 of 4 stars; one submission).

Submission:

Labcorp Genetics (formerly Invitae), Labcorp
Classification: Uncertain significance. Last evaluated: 2022-10-26. Review status: criteria provided, single submitter. Criteria: Invitae Variant Classification Sherloc (09022015). Collection method: clinical testing. Allele origin: germline.
Comment: This sequence change replaces glutamic acid, which is acidic and polar, with aspartic acid, which is acidic and polar, at codon 592 of the ZCCHC8 protein (p.Glu592Asp). This variant is not present in population databases (gnomAD no frequency). This variant has not been reported in the literature in individuals affected with ZCCHC8-related conditions. Advanced modeling of protein sequence and biophysical properties (such as structural, functional, and spatial information, amino acid conservation, physicochemical variation, residue mobility, and thermodynamic stability) performed at Invitae indicates that this missense variant is not expected to disrupt ZCCHC8 protein function. In summary, the available evidence is currently insufficient to determine the role of this variant in disease. Therefore, it has been classified as a Variant of Uncertain Significance.